The following is an entry in ClinVar:

NM_001080414.4(CCDC88C):c.157C>T (p.Gln53Ter)

Gene: CCDC88C (coiled-coil and HOOK domain protein 88C; minus strand). Cytogenetic location: 14q32.12.
Variant type: single nucleotide variant.
Coding change: c.157C>T on transcript NM_001080414.4 (MANE Select); coding-DNA position 157, C replaced by T.
Protein change: p.Gln53Ter; replaces glutamine 53 with a stop codon.
Molecular consequence: nonsense. On other transcripts: non-coding transcript variant (2).
Genome position (GRCh38, 1-based): chr14:91,416,742, G>A on the plus strand (C>T on the coding strand, the complement: CCDC88C is on the minus strand). VCF-style: chr14-91416742-G-A. GRCh37 (hg19) VCF-style: chr14-91883086-G-A.
Other names: short protein forms Q53*.
Identifiers: ClinVar variation 5015181 (VCV005015181.1).

ClinVar aggregate classification (germline): Pathogenic (1 of 4 stars; one submission).

Conditions:
Hydrocephalus, nonsyndromic, autosomal recessive 1 (HYC1). Also called: Hydrocephalus, nonsyndromic, autosomal recessive; Congenital hydrocephalus 1. Identifiers: Orphanet 2185, MedGen C3887608, MONDO:0009360, OMIM 236600.

Submission:

Myriad Genetics, Inc.
Classification: Pathogenic for Hydrocephalus, nonsyndromic, autosomal recessive 1. Last evaluated: 2025-11-07. Review status: criteria provided, single submitter. Criteria: Myriad Autosomal Dominant, Autosomal Recessive and X-Linked Classification Criteria (2023). Collection method: clinical testing. Allele origin: unknown.
Comment: NM_001080414.3(CCDC88C):c.157C>T(Q53*) is expected to be pathogenic in the context of congenital hydrocephalus, CCDC88C-related. This variant is predicted to lead to an abnormal or absent protein product due to the creation of a premature termination codon in CCDC88C, a gene where loss-of-function variants are known to be pathogenic. Please note: this variant was assessed in the context of healthy population screening.